The following is an entry in ClinVar:

ClinVar aggregate classification (germline): Uncertain significance (1 of 4 stars; one submission).

Allele frequency attached by ClinVar (database versions not stated): gnomAD 0.00001; gnomAD exomes 0.00001 and 0.00003; TOPMed 0.00001; ExAC 0.00004; 1000 Genomes Project 30x 0.00016; 1000 Genomes Project 0.00020.
gnomAD v4.1: 8 of 1,614,150 alleles (0.0005%); highest among the groups gnomAD compares: Admixed American, 0.012%; no homozygotes.

Submission:

Labcorp Genetics (formerly Invitae), Labcorp
Classification: Uncertain significance. Last evaluated: 2022-11-01. Review status: criteria provided, single submitter. Criteria: Invitae Variant Classification Sherloc (09022015). Collection method: clinical testing. Allele origin: germline.
Comment: This sequence change replaces proline, which is neutral and non-polar, with serine, which is neutral and polar, at codon 343 of the CNGA3 protein (p.Pro343Ser). This variant is present in population databases (rs560262335, gnomAD 0.02%). This variant has not been reported in the literature in individuals affected with CNGA3-related conditions. ClinVar contains an entry for this variant (Variation ID: 1516120). Advanced modeling of protein sequence and biophysical properties (such as structural, functional, and spatial information, amino acid conservation, physicochemical variation, residue mobility, and thermodynamic stability) performed at Invitae indicates that this missense variant is expected to disrupt CNGA3 protein function. In summary, the available evidence is currently insufficient to determine the role of this variant in disease. Therefore, it has been classified as a Variant of Uncertain Significance.

NM_001298.3(CNGA3):c.1027C>T (p.Pro343Ser)

Gene: CNGA3 (cyclic nucleotide gated channel subunit alpha 3; plus strand). Cytogenetic location: 2q11.2.
Variant type: single nucleotide variant.
Coding change: c.1027C>T on transcript NM_001298.3 (MANE Select); coding-DNA position 1027, C replaced by T.
Protein change: p.Pro343Ser; replaces proline 343 with serine.
Molecular consequence: missense variant.
Genome position (GRCh38, 1-based): chr2:98,396,197, C>T. VCF-style: chr2-98396197-C-T. GRCh37 (hg19) VCF-style: chr2-99012660-C-T.
Other names: c.973C>T, p.Pro325Ser (NM_001079878.2); short protein forms P343S, P325S.
Identifiers: ClinVar variation 1516120 (VCV001516120.3), dbSNP rs560262335, ClinGen allele CA1793935.